The following is an entry in ClinVar:

NC_000002.11:g.(?_27587267)_(27587785_?)dup

Gene: EIF2B4 (eukaryotic translation initiation factor 2B subunit delta; minus strand). Cytogenetic location: 2p23.3.
Variant type: Duplication.
Identifiers: ClinVar variation 2426203 (VCV002426203.3).

ClinVar aggregate classification (germline): Uncertain significance (1 of 4 stars; one submission).

Submission:

Labcorp Genetics (formerly Invitae), Labcorp
Classification: Uncertain significance. Last evaluated: 2024-01-24. Review status: criteria provided, single submitter. Criteria: Invitae Variant Classification Sherloc (09022015). Collection method: clinical testing. Allele origin: germline.
Comment: This variant results in a copy number gain of the genomic region encompassing exon(s) 12-13 of the EIF2B4 gene. This region includes the termination codon of the gene. This copy number gain extends beyond the assayed region for this gene and therefore may encompass additional genes. As the precise location of this event is unknown, it may be in tandem or it may be located elsewhere in the genome. This variant has not been reported in the literature in individuals affected with EIF2B4-related conditions. Experimental studies and prediction algorithms are not available or were not evaluated, and the functional significance of this variant is currently unknown. In summary, the available evidence is currently insufficient to determine the role of this variant in disease. Therefore, it has been classified as a Variant of Uncertain Significance.